The following is an entry in ClinVar:

NM_004612.4(TGFBR1):c.605C>T (p.Ala202Val)

Gene: TGFBR1 (transforming growth factor beta receptor 1; plus strand). Cytogenetic location: 9q22.33.
Variant type: single nucleotide variant.
Coding change: c.605C>T on transcript NM_004612.4 (MANE Select); coding-DNA position 605, C replaced by T.
Protein change: p.Ala202Val; replaces alanine 202 with valine.
Molecular consequence: missense variant.
Genome position (GRCh38, 1-based): chr9:99,137,889, C>T. VCF-style: chr9-99137889-C-T. GRCh37 (hg19) VCF-style: chr9-101900171-C-T.
Other names: p.Ala202Val; c.374C>T, p.Ala125Val (NM_001130916.3); c.617C>T, p.Ala206Val (NM_001306210.2); short protein forms A202V, A125V, A206V.
Identifiers: ClinVar variation 635251 (VCV000635251.63), dbSNP rs1564161322, ClinGen allele CA374229405.

ClinVar aggregate classification (germline): Conflicting classifications of pathogenicity. Review status: criteria provided, conflicting classifications (1 of 4 stars). 11 submissions from 11 submitters: Pathogenic (3); Likely pathogenic (4); Uncertain significance (3). 1 of the submissions does not count toward it. Last evaluated 2025-12-18.

Conditions:
Loeys-Dietz syndrome 1 (LDS1). Also called: AORTIC ANEURYSM, FAMILIAL THORACIC 5; TGFBR1-Related Loeys-Dietz Syndrome; FURLONG SYNDROME. Identifiers: Orphanet 60030, MedGen C4551955, MONDO:0012212, OMIM 609192.
Isolated thoracic aortic aneurysm.
TGFBR1-related disorder. Also called: TGFBR1-related condition.
Familial thoracic aortic aneurysm and aortic dissection (TAAD). Also called: Thoracic aortic aneurysms and dissections. Identifiers: Orphanet 91387, MedGen C4707243, MONDO:0019625.

Submissions (11):

Labcorp Genetics (formerly Invitae), Labcorp
Classification: Pathogenic for Familial thoracic aortic aneurysm and aortic dissection. Last evaluated: 2025-12-18. Review status: criteria provided, single submitter. Criteria: Invitae Variant Classification Sherloc (09022015). Collection method: clinical testing. Allele origin: germline.
Comment: This sequence change replaces alanine, which is neutral and non-polar, with valine, which is neutral and non-polar, at codon 202 of the TGFBR1 protein (p.Ala202Val). This variant is not present in population databases (gnomAD no frequency). This missense change has been observed in individuals with clinical features of Loeys-Dietz syndrome (PMID: 27146836, 27879313, 31915033; internal data). It has also been observed to segregate with disease in related individuals. ClinVar contains an entry for this variant (Variation ID: 635251). Invitae Evidence Modeling of protein sequence and biophysical properties (such as structural, functional, and spatial information, amino acid conservation, physicochemical variation, residue mobility, and thermodynamic stability) indicates that this missense variant is expected to disrupt TGFBR1 protein function with a positive predictive value of 80%. For these reasons, this variant has been classified as Pathogenic.

Mayo Clinic Laboratories, Mayo Clinic
Classification: Pathogenic. Last evaluated: 2025-04-09. Review status: criteria provided, single submitter. Criteria: ACMG Guidelines, 2015. Collection method: clinical testing. Allele origin: germline. Observed: 1 variant allele.
Comment: PP1, PP3_moderate, PP4, PM2_supporting, PM6, PS4

3billion
Classification: Likely pathogenic for Loeys-Dietz syndrome 1. Last evaluated: 2024-09-29. Review status: criteria provided, single submitter. Criteria: ACMG Guidelines, 2015. Collection method: clinical testing. Allele origin: germline. Affected: yes.
Comment: The variant is not observed in the gnomAD v4.1.0 dataset. Predicted Consequence/Location: Missense variant In silico tool predictions suggest damaging effect of the variant on gene or gene product [REVEL: 0.92 (>=0.6, sensitivity 0.68 and specificity 0.92); 3Cnet: 0.52 (>=0.6, sensitivity 0.72 and precision 0.9)]. The same nucleotide change resulting in the same amino acid change has been previously reported to be associated with TGFBR1 related disorder (ClinVar ID: VCV000635251). The variant has been observed in at least two similarly affected unrelated individuals (PMID: 27146836, 27879313, 31915033). Therefore, this variant is classified as Likely pathogenic according to the recommendation of ACMG/AMP guideline.

Blueprint Genetics
Classification: Pathogenic for TGFBR1-related disorders. Last evaluated: 2024-09-25. Review status: criteria provided, single submitter. Criteria: ACMG Guidelines, 2015. Collection method: clinical testing. Allele origin: germline. Affected: yes. Observed: 1 variant allele.

Centre of Medical Genetics, University of Antwerp
Classification: Likely pathogenic for Familial thoracic aortic aneurysm and aortic dissection. Last evaluated: 2024-09-06. Review status: criteria provided, single submitter. Criteria: ACMG Guidelines, 2015. Collection method: clinical testing. Allele origin: germline. Affected: yes.
Comment: LP(PS2; PM2; PP2-3, 5)

Ambry Genetics
Classification: Likely pathogenic for Familial thoracic aortic aneurysm and aortic dissection. Last evaluated: 2024-09-05. Review status: criteria provided, single submitter. Criteria: Ambry Variant Classification Scheme 2023. Collection method: clinical testing. Allele origin: germline.
Comment: The p.A202V variant (also known as c.605C>T), located in coding exon 4 of the TGFBR1 gene, results from a C to T substitution at nucleotide position 605. The alanine at codon 202 is replaced by valine, an amino acid with similar properties. This alteration has been reported in individuals with features consistent with Loeys-Dietz syndrome and segregated with disease in one family (Jondeau G et al. Circ Cardiovasc Genet, 2016 Dec;9:548-558; Poninska JK et al. J Transl Med, 2016 May;14:115; Teixid&oacute;-Tura G et al. Heart, 2016 Apr;102:626-32; Prodanov P et al. J Cardiothorac Surg, 2020 Aug;15:231; Stengl R et al. Orphanet J Rare Dis, 2020 Oct;15:290; Yang H et al. Orphanet J Rare Dis, 2020 Jan;15:6; Li J et al. Mol Genet Genomic Med, 2021 Oct;9:e1800; Yagyu T et al. J Am Heart Assoc, 2023 Apr;12:e028625). This missense alteration is located in a region that has a low rate of benign missense variation (Lek M et al. Nature. 2016 Aug 18;536(7616):285-91; DECIPHER: Database of Chromosomal Imbalance and Phenotype in Humans using Ensembl Resources. Firth H.V. et al. 2009. Am.J.Hum.Genet. 84, 524-533 (DOI)). This variant is considered to be rare based on population cohorts in the Genome Aggregation Database (gnomAD). This amino acid position is highly conserved in available vertebrate species. In addition, this alteration is predicted to be deleterious by in silico analysis. Based on the supporting evidence, this variant is likely pathogenic for TGFBR1-related Loeys-Dietz syndrome; however, the association of this variant with an increased risk of multiple self-healing squamous epithelioma (MSSE) is unknown.

CeGaT Center for Human Genetics Tuebingen
Classification: Uncertain significance. Last evaluated: 2019-05-01. Review status: criteria provided, single submitter. Criteria: CeGaT Center For Human Genetics Tuebingen Variant Classification Criteria Version 2. Collection method: clinical testing. Allele origin: germline. Affected: yes. Observed: 2 variant alleles.

Department of Vascular Biology, Beijing Anzhen Hospital
Classification: Uncertain significance for Isolated thoracic aortic aneurysm. Last evaluated: 2018-09-01. Review status: criteria provided, single submitter. Criteria: ACMG Guidelines, 2015. Collection method: research. Allele origin: germline. Affected: yes.

Stanford Center for Inherited Cardiovascular Disease, Stanford University
Classification: Uncertain significance. Last evaluated: 2016-11-08. Review status: criteria provided, single submitter. Criteria: ACMG Guidelines, 2015. Collection method: provider interpretation. Allele origin: germline.

Juno Genomics, Hangzhou Juno Genomics, Inc
Classification: Likely pathogenic for Loeys-Dietz syndrome 1. Review status: criteria provided, single submitter. Criteria: ACMG Guidelines, 2015. Collection method: clinical testing. Allele origin: germline. Affected: yes.
Comment: Absent from controls (or at extremely low frequency if recessive) in Genome Aggregation Database, Exome Sequencing Project, 1000 Genomes Project, or Exome Aggregation Consortium.;Multiple lines of computational evidence support a deleterious effect on the gene or gene product (conservation, evolutionary, splicing impact, etc).;Missense variant in a gene that has a low rate of benign missense variation and where missense variants are a common mechanism of disease.;The prevalence of the variant in affected individuals is significantly increased compared to the prevalence in controls.;Patient's phenotype or family history is highly specific for a disease with a single genetic etiology.

Clinical Genetics Laboratory, University Hospital Schleswig-Holstein
Classification: Likely pathogenic for Loeys-Dietz syndrome 1. Last evaluated: 2021-04-15. Review status: no assertion criteria provided. Collection method: clinical testing. Allele origin: germline. Affected: yes. Not counted in ClinVar's aggregate classification.

Literature cited by the submitters: PubMed 27146836 (cited by 4 submitters); PubMed 27879313 (cited by 3 submitters); PubMed 31915033 (cited by 4 submitters); PubMed 32867844 (cited by Mayo Clinic Laboratories, Mayo Clinic and Ambry Genetics); PubMed 33059708 (cited by Mayo Clinic Laboratories, Mayo Clinic and Ambry Genetics); PubMed 33824467 (cited by Mayo Clinic Laboratories, Mayo Clinic); PubMed 34498425 (cited by Mayo Clinic Laboratories, Mayo Clinic and Ambry Genetics); PubMed 39937695 (cited by Mayo Clinic Laboratories, Mayo Clinic); PubMed 26848186 (cited by Ambry Genetics); PubMed 37042257 (cited by Ambry Genetics).